The following is an entry in ClinVar:

NM_004036.5(ADCY3):c.1017G>A (p.Glu339=)

Gene: ADCY3 (adenylate cyclase 3; minus strand). Cytogenetic location: 2p23.3.
Variant type: single nucleotide variant.
Coding change: c.1017G>A on transcript NM_004036.5 (MANE Select); coding-DNA position 1017, G replaced by A.
Protein change: p.Glu339=; no amino-acid change (glutamic acid 339 retained).
Molecular consequence: synonymous variant.
Genome position (GRCh38, 1-based): chr2:24,841,607, C>T on the plus strand (G>A on the coding strand, the complement: ADCY3 is on the minus strand). VCF-style: chr2-24841607-C-T. GRCh37 (hg19) VCF-style: chr2-25064476-C-T.
Other names: c.1017G>A, p.Glu339= (NM_001320613.2, NM_001377128.1, NM_001377129.1 and 2 more transcripts); c.294G>A, p.Glu98= (NM_001377131.1).
Identifiers: ClinVar variation 4984787 (VCV004984787.1).

ClinVar aggregate classification (germline): Likely benign (1 of 4 stars; one submission).

Conditions:
ADCY3-related disorder. Also called: ADCY3-related condition.

gnomAD v4.1: 8 of 1,613,582 alleles (0.0005%); highest among the groups gnomAD compares: Non-Finnish European, 0.00068%; no homozygotes.

Submission:

PreventionGenetics, part of Exact Sciences
Classification: Likely benign for ADCY3-related condition. Last evaluated: 2025-02-05. Review status: criteria provided, single submitter. Criteria: ACMG Guidelines, 2015. Collection method: clinical testing. Allele origin: germline.
Comment: This variant is classified as likely benign based on ACMG/AMP sequence variant interpretation guidelines (Richards et al. 2015 PMID: 25741868, with internal and published modifications).